The following is an entry in ClinVar:

ClinVar aggregate classification (germline): Uncertain significance (1 of 4 stars; one submission).

Allele frequency attached by ClinVar (database versions not stated): ExAC 0.00001; gnomAD 0.00001; gnomAD exomes 0.00001 and 0.00002; TOPMed 0.00001.
gnomAD v4.1: 35 of 1,613,670 alleles (0.0022%); highest among the groups gnomAD compares: Non-Finnish European, 0.0028%; no homozygotes.

Submission:

Labcorp Genetics (formerly Invitae), Labcorp
Classification: Uncertain significance. Last evaluated: 2022-08-16. Review status: criteria provided, single submitter. Criteria: Invitae Variant Classification Sherloc (09022015). Collection method: clinical testing. Allele origin: germline.
Comment: This sequence change replaces lysine, which is basic and polar, with arginine, which is basic and polar, at codon 731 of the ADAM9 protein (p.Lys731Arg). This variant is present in population databases (rs757068227, gnomAD 0.002%). This variant has not been reported in the literature in individuals affected with ADAM9-related conditions. ClinVar contains an entry for this variant (Variation ID: 940635). Algorithms developed to predict the effect of missense changes on protein structure and function are either unavailable or do not agree on the potential impact of this missense change (SIFT: "Tolerated"; PolyPhen-2: "Possibly Damaging"; Align-GVGD: "Class C0"). In summary, the available evidence is currently insufficient to determine the role of this variant in disease. Therefore, it has been classified as a Variant of Uncertain Significance.

NM_003816.3(ADAM9):c.2192A>G (p.Lys731Arg)

Gene: ADAM9 (ADAM metallopeptidase domain 9; plus strand). Cytogenetic location: 8p11.22.
Variant type: single nucleotide variant.
Coding change: c.2192A>G on transcript NM_003816.3 (MANE Select); coding-DNA position 2192, A replaced by G.
Protein change: p.Lys731Arg; replaces lysine 731 with arginine.
Molecular consequence: missense variant. On other transcripts: non-coding transcript variant (2).
Genome position (GRCh38, 1-based): chr8:39,090,170, A>G. VCF-style: chr8-39090170-A-G. GRCh37 (hg19) VCF-style: chr8-38947689-A-G.
Other names: short protein forms K731R.
Identifiers: ClinVar variation 940635 (VCV000940635.4), dbSNP rs757068227, ClinGen allele CA4721821.